The following is an entry in ClinVar:

NM_006517.5(SLC16A2):c.250G>A (p.Glu84Lys)

Gene: SLC16A2 (solute carrier family 16 member 2; plus strand). Cytogenetic location: Xq13.2.
Variant type: single nucleotide variant.
Coding change: c.250G>A on transcript NM_006517.5 (MANE Select); coding-DNA position 250, G replaced by A.
Protein change: p.Glu84Lys; replaces glutamic acid 84 with lysine.
Molecular consequence: missense variant.
Genome position (GRCh38, 1-based): chrX:74,421,887, G>A. VCF-style: chrX-74421887-G-A. GRCh37 (hg19) VCF-style: chrX-73641722-G-A.
Other names: short protein forms E84K.
Identifiers: ClinVar variation 589581 (VCV000589581.6), dbSNP rs1052769515, ClinGen allele CA331275950.

ClinVar aggregate classification (germline): Conflicting classifications of pathogenicity. Review status: criteria provided, conflicting classifications (1 of 4 stars). 2 submissions from 2 submitters: Uncertain significance (1); Likely benign (1). Last evaluated 2025-08-29.

Conditions:
Spastic paraplegia. Identifiers: MedGen C0037772, HP:0001258.
Inborn genetic diseases. Identifiers: MedGen C0950123, MeSH D030342.

Allele frequency attached by ClinVar (database versions not stated): gnomAD exomes below 0.00001 and 0.00001; TOPMed below 0.00001.
gnomAD v4.1: 2 of 1,209,881 alleles (0.00017%); highest among the groups gnomAD compares: Admixed American, 0.0043%; no homozygotes.

Submissions (2):

Labcorp Genetics (formerly Invitae), Labcorp
Classification: Uncertain significance for Spastic paraplegia. Last evaluated: 2025-08-29. Review status: criteria provided, single submitter. Criteria: Invitae Variant Classification Sherloc (09022015). Collection method: clinical testing. Allele origin: germline.
Comment: This sequence change replaces glutamic acid, which is acidic and polar, with lysine, which is basic and polar, at codon 84 of the SLC16A2 protein (p.Glu84Lys). This variant is present in population databases (no rsID available, gnomAD 0.004%). This variant has not been reported in the literature in individuals affected with SLC16A2-related conditions. ClinVar contains an entry for this variant (Variation ID: 589581). Invitae Evidence Modeling of protein sequence and biophysical properties (such as structural, functional, and spatial information, amino acid conservation, physicochemical variation, residue mobility, and thermodynamic stability) indicates that this missense variant is not expected to disrupt SLC16A2 protein function with a negative predictive value of 95%. In summary, the available evidence is currently insufficient to determine the role of this variant in disease. Therefore, it has been classified as a Variant of Uncertain Significance.

Ambry Genetics
Classification: Likely benign for Inborn genetic diseases. Last evaluated: 2017-07-17. Review status: criteria provided, single submitter. Criteria: Ambry Variant Classification Scheme 2023. Collection method: clinical testing. Allele origin: germline.